The following is an entry in ClinVar:

NM_020999.4(NEUROG3):c.44G>T (p.Arg15Leu)

Gene: NEUROG3 (neurogenin 3; minus strand). Cytogenetic location: 10q22.1.
Variant type: single nucleotide variant.
Coding change: c.44G>T on transcript NM_020999.4 (MANE Select); coding-DNA position 44, G replaced by T.
Protein change: p.Arg15Leu; replaces arginine 15 with leucine.
Molecular consequence: missense variant.
Genome position (GRCh38, 1-based): chr10:69,573,000, C>A on the plus strand (G>T on the coding strand, the complement: NEUROG3 is on the minus strand). VCF-style: chr10-69573000-C-A. GRCh37 (hg19) VCF-style: chr10-71332756-C-A.
Other names: short protein forms R15L.
Identifiers: ClinVar variation 1926136 (VCV001926136.5), dbSNP rs774554213, ClinGen allele CA376923295.
Genomic context (GRCh38, chr10:69,573,000, plus strand): 5'-GCGGACGTGGGGCAGGTCACTTCGTCTTCCGAGGCTCTGGGGAAGGACCGCTCCGTCTCA[C>A]GGGTCACTTGGACAGTGGGCGCACCCGAGGGTTGAGGCGTCATCCTACGGCGGGGTCAGA-3'
Protein context (NP_066279.2, residues 5-25): PSGAPTVQVT[Arg15Leu]ETERSFPRAS

ClinVar aggregate classification (germline): Uncertain significance (1 of 4 stars; one submission).

Submission:

Labcorp Genetics (formerly Invitae), Labcorp
Classification: Uncertain significance. Last evaluated: 2024-02-12. Review status: criteria provided, single submitter. Criteria: Invitae Variant Classification Sherloc (09022015). Collection method: clinical testing. Allele origin: germline.
Comment: This sequence change replaces arginine, which is basic and polar, with leucine, which is neutral and non-polar, at codon 15 of the NEUROG3 protein (p.Arg15Leu). This variant is not present in population databases (gnomAD no frequency). This variant has not been reported in the literature in individuals affected with NEUROG3-related conditions. ClinVar contains an entry for this variant (Variation ID: 1926136). Algorithms developed to predict the effect of missense changes on protein structure and function output the following: SIFT: "Not Available"; PolyPhen-2: "Benign"; Align-GVGD: "Not Available". The leucine amino acid residue is found in multiple mammalian species, which suggests that this missense change does not adversely affect protein function. In summary, the available evidence is currently insufficient to determine the role of this variant in disease. Therefore, it has been classified as a Variant of Uncertain Significance.